The following is an entry in ClinVar:

NM_001372106.1(DNAH10):c.10172G>A (p.Arg3391Gln)

Gene: DNAH10 (dynein axonemal heavy chain 10; plus strand). Cytogenetic location: 12q24.31.
Variant type: single nucleotide variant.
Coding change: c.10172G>A on transcript NM_001372106.1 (MANE Select); coding-DNA position 10172, G replaced by A.
Protein change: p.Arg3391Gln; replaces arginine 3391 with glutamine.
Molecular consequence: missense variant.
Genome position (GRCh38, 1-based): chr12:123,913,135, G>A. VCF-style: chr12-123913135-G-A. GRCh37 (hg19) VCF-style: chr12-124397682-G-A.
Other names: c.9818G>A, p.Arg3273Gln (NM_207437.3); short protein forms R3273Q, R3391Q.
Identifiers: ClinVar variation 5005061 (VCV005005061.2).
Genomic context (GRCh38, chr12:123,913,135, plus strand): 5'-TTTTGCAAATTGTCTTCACTTAGGTGGCCAGGCTGGAGCGGAATTTTTACCTCACTAAAC[G>A]GGAACTGGAAAGGATCCAGAATGAGTTGGCAGCAATTCAGAAAGAGCTGGAAACATTGGG-3'
Protein context (NP_001359035.1, residues 3381-3401): RLERNFYLTK[Arg3391Gln]ELERIQNELA

ClinVar aggregate classification (germline): Uncertain significance (1 of 4 stars; one submission).

Conditions:
Spermatogenic failure 56. Identifiers: MedGen C5561978, MONDO:0030430, OMIM 619515.

gnomAD v4.1: 162 of 1,611,634 alleles (0.01%); highest among the groups gnomAD compares: Middle Eastern, 0.15%; 1 homozygote.

Submission:

Juno Genomics, Hangzhou Juno Genomics, Inc
Classification: Uncertain significance for Spermatogenic failure 56. Review status: criteria provided, single submitter. Criteria: ACMG Guidelines, 2015. Collection method: clinical testing. Allele origin: germline.
Comment: Missense variant in a gene that has a low rate of benign missense variation.;Multiple lines of computational evidence support a deleterious effect on the gene or gene product.;Absent from controls (or at extremely low frequency if recessive) in Genome Aggregation Database.